The following is an entry in ClinVar:

NM_138694.4(PKHD1):c.1356C>G (p.Tyr452Ter)

Gene: PKHD1 (PKHD1 ciliary IPT domain containing fibrocystin/polyductin; minus strand). Cytogenetic location: 6p12.2.
Variant type: single nucleotide variant.
Coding change: c.1356C>G on transcript NM_138694.4 (MANE Select); coding-DNA position 1356, C replaced by G.
Protein change: p.Tyr452Ter; replaces tyrosine 452 with a stop codon.
Molecular consequence: nonsense.
Genome position (GRCh38, 1-based): chr6:52,058,479, G>C on the plus strand (C>G on the coding strand, the complement: PKHD1 is on the minus strand). VCF-style: chr6-52058479-G-C. GRCh37 (hg19) VCF-style: chr6-51923277-G-C.
Other names: c.1356C>G, p.Tyr452Ter (NM_170724.3); short protein forms Y452*.
Identifiers: ClinVar variation 2768679 (VCV002768679.3), dbSNP rs1007001451, ClinGen allele CA364426854.

ClinVar aggregate classification (germline): Pathogenic (1 of 4 stars; one submission).

Conditions:
Autosomal recessive polycystic kidney disease (ARPKD). Also called: AR polycystic kidney disease. Identifiers: Orphanet 731, Orphanet 8378, MedGen C0085548, MeSH D017044, MONDO:0009889.

Submission:

Labcorp Genetics (formerly Invitae), Labcorp
Classification: Pathogenic for Autosomal recessive polycystic kidney disease. Last evaluated: 2023-10-15. Review status: criteria provided, single submitter. Criteria: Invitae Variant Classification Sherloc (09022015). Collection method: clinical testing. Allele origin: germline.
Comment: This sequence change creates a premature translational stop signal (p.Tyr452*) in the PKHD1 gene. It is expected to result in an absent or disrupted protein product. Loss-of-function variants in PKHD1 are known to be pathogenic (PMID: 19940839). This variant is not present in population databases (gnomAD no frequency). This variant has not been reported in the literature in individuals affected with PKHD1-related conditions. For these reasons, this variant has been classified as Pathogenic.

Literature cited by the submitters: PubMed 19940839.